The following is an entry in ClinVar:

NM_005559.4(LAMA1):c.7051-8T>G

Gene: LAMA1 (laminin subunit alpha 1; minus strand). Cytogenetic location: 18p11.31.
Variant type: single nucleotide variant.
Coding change: c.7051-8T>G on transcript NM_005559.4 (MANE Select); 8 bases into the intron before coding-DNA position 7051, T replaced by G.
Molecular consequence: intron variant.
Genome position (GRCh38, 1-based): chr18:6,965,440, A>C on the plus strand (T>G on the coding strand, the complement: LAMA1 is on the minus strand). VCF-style: chr18-6965440-A-C. GRCh37 (hg19) VCF-style: chr18-6965439-A-C.
Identifiers: ClinVar variation 710515 (VCV000710515.28), dbSNP rs150737889, ClinGen allele CA8881026.

ClinVar aggregate classification (germline): Benign/Likely benign. Review status: criteria provided, multiple submitters, no conflicts (2 of 4 stars). 3 submissions from 3 submitters: Benign (2); Likely benign (1). Last evaluated 2026-01-08.

Allele frequency attached by ClinVar (database versions not stated): gnomAD exomes 0.00042 and 0.00085; ExAC 0.00109; 1000 Genomes Project 30x 0.00219; 1000 Genomes Project 0.00220; ESP Exome Variant Server 0.00354; gnomAD 0.00368 and 0.00403; TOPMed 0.00425.
gnomAD v4.1: 1,197 of 1,614,146 alleles (0.074%); highest among the groups gnomAD compares: African/African-American, 1.5%; 11 homozygotes.

Submissions (3):

Labcorp Genetics (formerly Invitae), Labcorp
Classification: Benign. Last evaluated: 2026-01-08. Review status: criteria provided, single submitter. Criteria: Invitae Variant Classification Sherloc (09022015). Collection method: clinical testing. Allele origin: germline.

Blueprint Genetics
Classification: Likely benign. Last evaluated: 2024-07-30. Review status: criteria provided, single submitter. Criteria: ACMG Guidelines, 2015. Collection method: clinical testing. Allele origin: germline.

CeGaT Center for Human Genetics Tuebingen
Classification: Benign. Last evaluated: 2024-06-01. Review status: criteria provided, single submitter. Criteria: CeGaT Center For Human Genetics Tuebingen Variant Classification Criteria Version 2. Collection method: clinical testing. Allele origin: germline. Affected: yes. Observed: 1 variant allele.
Comment: LAMA1: BP4, BS1, BS2